The following is an entry in ClinVar:

NM_001017420.3(ESCO2):c.998C>A (p.Ser333Ter)

Gene: ESCO2 (establishment of sister chromatid cohesion N-acetyltransferase 2; plus strand). Cytogenetic location: 8p21.1.
Variant type: single nucleotide variant.
Coding change: c.998C>A on transcript NM_001017420.3 (MANE Select); coding-DNA position 998, C replaced by A.
Protein change: p.Ser333Ter; replaces serine 333 with a stop codon.
Molecular consequence: nonsense.
Genome position (GRCh38, 1-based): chr8:27,784,042, C>A. VCF-style: chr8-27784042-C-A. GRCh37 (hg19) VCF-style: chr8-27641559-C-A.
Other names: short protein forms S333*.
Identifiers: ClinVar variation 4814532 (VCV004814532.1).

ClinVar aggregate classification (germline): Likely pathogenic (1 of 4 stars; one submission).

Conditions:
Roberts-SC phocomelia syndrome (RBS). Also called: Pseudothalidomide syndrome; Appelt-Gerken-Lenz syndrome; Hypomelia hypotrichosis facial hemangioma syndrome; LONG BONE DEFICIENCIES ASSOCIATED WITH CLEFT LIP-PALATE; ESCO2 Spectrum Disorder. Identifiers: Orphanet 3103, MedGen C0392475, MONDO:0100253, OMIM 268300.

Submission:

Natera, Inc.
Classification: Likely pathogenic for Roberts syndrome. Last evaluated: 2024-08-26. Review status: criteria provided, single submitter. Criteria: Natera Variant Classification Schema (03/2026). Collection method: clinical testing. Allele origin: germline.
Comment: The c.998C>A variant in ESCO2 is a nonsense variant predicted to introduce a stop codon at amino acid 333. This variant is expected to result in nonsense mediated decay, truncation, or a dysfunctional protein product. This variant is rare in the general population with a frequency below the threshold expected for the associated phenotype(s). Given the available evidence, this variant is classified as Likely Pathogenic.